The following is an entry in ClinVar:

NM_006019.4(TCIRG1):c.417+4A>G

Gene: TCIRG1 (T cell immune regulator 1, ATPase H+ transporting V0 subunit a3; plus strand). Cytogenetic location: 11q13.2.
Variant type: single nucleotide variant.
Coding change: c.417+4A>G on transcript NM_006019.4 (MANE Select); 4 bases into the intron after coding-DNA position 417, A replaced by G.
Molecular consequence: intron variant.
Genome position (GRCh38, 1-based): chr11:68,042,867, A>G. VCF-style: chr11-68042867-A-G. GRCh37 (hg19) VCF-style: chr11-67810334-A-G.
Other names: c.417+4A>G (NM_001440552.1, NM_001440557.1, NM_001440559.1 and 9 more transcripts); c.375+4A>G (NM_001440555.1, NM_001440556.1, NM_001440563.1 and 2 more transcripts); c.-833+4A>G (NM_001351059.2); c.118-79A>G (NM_001440565.1).
Identifiers: ClinVar variation 4696227 (VCV004696227.1).
Genomic context (GRCh38, chr11:68,042,867, plus strand): 5'-CAGCTGCACCAGCTGCAGCTCCACGCCGCCGTGCTACGCCAGGGCCATGAACCTCAGGTC[A>G]GCTCCCACCCAGGCAGGAGACTGGGGGGCTGGGGAGGGGCTGTCCAGCCTAGGGCTCATG-3'

ClinVar aggregate classification (germline): Uncertain significance (1 of 4 stars; one submission).

Submission:

Labcorp Genetics (formerly Invitae), Labcorp
Classification: Uncertain significance. Last evaluated: 2025-04-09. Review status: criteria provided, single submitter. Criteria: Invitae Variant Classification Sherloc (09022015). Collection method: clinical testing. Allele origin: germline.
Comment: This sequence change falls in intron 4 of the TCIRG1 gene. It does not directly change the encoded amino acid sequence of the TCIRG1 protein. It affects a nucleotide within the consensus splice site. This variant is not present in population databases (gnomAD no frequency). This variant has not been reported in the literature in individuals affected with TCIRG1-related conditions. Variants that disrupt the consensus splice site are a relatively common cause of aberrant splicing (PMID: 17576681, 9536098). Algorithms developed to predict the effect of sequence changes on RNA splicing suggest that this variant is not likely to affect RNA splicing. In summary, the available evidence is currently insufficient to determine the role of this variant in disease. Therefore, it has been classified as a Variant of Uncertain Significance.

Literature cited by the submitters: PubMed 17576681; PubMed 9536098.